The following is an entry in ClinVar:

ClinVar aggregate classification (germline): Uncertain significance. Review status: criteria provided, multiple submitters, no conflicts (2 of 4 stars). 3 submissions from 3 submitters: Uncertain significance (2). 1 of the submissions does not count toward it. Last evaluated 2022-11-20.

Conditions:
Walker-Warburg congenital muscular dystrophy. Also called: Muscular dystrophy-dystroglycanopathy, type A; Walker-Warburg syndrome. Identifiers: Orphanet 899, MedGen C0265221, MONDO:0000171.
Cardiovascular phenotype. Identifiers: MedGen CN230736.

Allele frequency attached by ClinVar (database versions not stated): gnomAD exomes below 0.00001.

Submissions (3):

Ambry Genetics
Classification: Uncertain significance for Cardiovascular phenotype. Last evaluated: 2022-11-20. Review status: criteria provided, single submitter. Criteria: Ambry Variant Classification Scheme 2023. Collection method: clinical testing. Allele origin: germline.
Comment: The p.I75V variant (also known as c.223A>G), located in coding exon 3 of the FKTN gene, results from an A to G substitution at nucleotide position 223. The isoleucine at codon 75 is replaced by valine, an amino acid with highly similar properties. This amino acid position is conserved. In addition, this alteration is predicted to be tolerated by in silico analysis. Since supporting evidence is limited at this time, the clinical significance of this alteration remains unclear.

Labcorp Genetics (formerly Invitae), Labcorp
Classification: Uncertain significance for Walker-Warburg congenital muscular dystrophy. Last evaluated: 2021-08-27. Review status: criteria provided, single submitter. Criteria: Invitae Variant Classification Sherloc (09022015). Collection method: clinical testing. Allele origin: germline.
Comment: This sequence change replaces isoleucine with valine at codon 75 of the FKTN protein (p.Ile75Val). The isoleucine residue is moderately conserved and there is a small physicochemical difference between isoleucine and valine. This variant is not present in population databases (ExAC no frequency). This variant has not been reported in the literature in individuals affected with FKTN-related conditions. Algorithms developed to predict the effect of missense changes on protein structure and function (SIFT, PolyPhen-2, Align-GVGD) all suggest that this variant is likely to be tolerated. In summary, the available evidence is currently insufficient to determine the role of this variant in disease. Therefore, it has been classified as a Variant of Uncertain Significance.

Natera, Inc.
Classification: Uncertain significance for Walker-Warburg congenital muscular dystrophy. Last evaluated: 2021-01-14. Review status: no assertion criteria provided. Collection method: clinical testing. Allele origin: germline. Not counted in ClinVar's aggregate classification.

NM_001079802.2(FKTN):c.223A>G (p.Ile75Val)

Gene: FKTN (fukutin; plus strand). Cytogenetic location: 9q31.2.
Variant type: single nucleotide variant.
Coding change: c.223A>G on transcript NM_001079802.2 (MANE Select); coding-DNA position 223, A replaced by G.
Protein change: p.Ile75Val; replaces isoleucine 75 with valine.
Molecular consequence: missense variant. On other transcripts: 5 prime UTR variant (4), non-coding transcript variant (2).
Genome position (GRCh38, 1-based): chr9:105,601,202, A>G. VCF-style: chr9-105601202-A-G. GRCh37 (hg19) VCF-style: chr9-108363483-A-G.
Other names: c.223A>G, p.Ile75Val (NM_001198963.2, NM_001351496.2, NM_001351498.2 and 1 more transcripts); c.154A>G, p.Ile52Val (NM_001351497.2); c.-292A>G (NM_001351499.2, NM_001351500.2, NM_001351501.2 and 1 more transcripts); short protein forms I52V, I75V.
Identifiers: ClinVar variation 940022 (VCV000940022.12), dbSNP rs1827816995, ClinGen allele CA374331516.